The following is an entry in ClinVar:

NM_000317.3(PTS):c.186G>A (p.Glu62=)

Gene: PTS (6-pyruvoyltetrahydropterin synthase; plus strand). Cytogenetic location: 11q23.1.
Variant type: single nucleotide variant.
Coding change: c.186G>A on transcript NM_000317.3 (MANE Select); coding-DNA position 186, G replaced by A.
Protein change: p.Glu62=; no amino-acid change (glutamic acid 62 retained).
Molecular consequence: synonymous variant.
Genome position (GRCh38, 1-based): chr11:112,230,230, G>A. VCF-style: chr11-112230230-G-A. GRCh37 (hg19) VCF-style: chr11-112100953-G-A.
Identifiers: ClinVar variation 983370 (VCV000983370.5), dbSNP rs189051075, ClinGen allele CA6278501.

ClinVar aggregate classification (germline): Uncertain significance. Review status: criteria provided, multiple submitters, no conflicts (2 of 4 stars). 3 submissions from 3 submitters: Uncertain significance (3). Last evaluated 2022-07-21.

Conditions:
6-Pyruvoyl-tetrahydrobiopterin synthase deficiency. Also called: 6-Pyruvoyltetrahydropterin Synthase Deficiency; Hyperphenylalanemia, BH4-deficient, A; Hyperphenylalaninemia due to 6-pyruvoyl-tetrahydropterin synthase deficiency; BH4-deficient hyperphenylalaninemia A; PTS DEFICIENCY; PTS-Related Tetrahydrobiopterin Deficiency. Identifiers: Orphanet 13, Orphanet 238583, MedGen C0878676, MONDO:0009863, OMIM 261640.
Inborn genetic diseases. Identifiers: MedGen C0950123, MeSH D030342.

Allele frequency attached by ClinVar (database versions not stated): ExAC 0.00001; gnomAD 0.00001; TOPMed 0.00003; 1000 Genomes Project 30x 0.00016; 1000 Genomes Project 0.00020; gnomAD exomes below 0.00001.
gnomAD v4.1: 3 of 1,613,452 alleles (0.00019%); highest among the groups gnomAD compares: African/African-American, 0.0027%; no homozygotes.

Submissions (3):

Ambry Genetics
Classification: Uncertain significance for Inborn genetic diseases. Last evaluated: 2022-07-21. Review status: criteria provided, single submitter. Criteria: Ambry Variant Classification Scheme 2023. Collection method: clinical testing. Allele origin: germline.
Comment: Occurs in the last base pair of the exon Based on insufficient or conflicting evidence, the clinical significance of this alteration remains unclear.

Labcorp Genetics (formerly Invitae), Labcorp
Classification: Uncertain significance for 6-Pyruvoyl-tetrahydrobiopterin synthase deficiency. Last evaluated: 2022-01-03. Review status: criteria provided, single submitter. Criteria: Invitae Variant Classification Sherloc (09022015). Collection method: clinical testing. Allele origin: germline.
Comment: This sequence change affects codon 62 of the PTS mRNA. It is a 'silent' change, meaning that it does not change the encoded amino acid sequence of the PTS protein. This variant also falls at the last nucleotide of exon 3, which is part of the consensus splice site for this exon. This variant is present in population databases (rs189051075, gnomAD 0.0009%). This variant has not been reported in the literature in individuals affected with PTS-related conditions. ClinVar contains an entry for this variant (Variation ID: 983370). Variants that disrupt the consensus splice site are a relatively common cause of aberrant splicing (PMID: 17576681, 9536098). Algorithms developed to predict the effect of sequence changes on RNA splicing suggest that this variant may disrupt the consensus splice site. In summary, the available evidence is currently insufficient to determine the role of this variant in disease. Therefore, it has been classified as a Variant of Uncertain Significance.

New York Genome Center
Classification: Uncertain significance for 6-Pyruvoyl-tetrahydrobiopterin synthase deficiency. Last evaluated: 2020-02-04. Review status: criteria provided, single submitter. Criteria: NYGC Assertion Criteria 2020. Collection method: clinical testing. Allele origin: germline. Observed: 1 heterozygote. Study: CSER-NYCKidSeq.

Literature cited by the submitters: PubMed 17576681 (cited by Labcorp Genetics (formerly Invitae), Labcorp); PubMed 9536098 (cited by Labcorp Genetics (formerly Invitae), Labcorp).